The following is an entry in ClinVar:

NM_022458.4(LMBR1):c.*2596A>G

Gene: LMBR1 (limb development membrane protein 1; minus strand). Cytogenetic location: 7q36.3.
Variant type: single nucleotide variant.
Coding change: c.*2596A>G on transcript NM_022458.4 (MANE Select); 2596 bases downstream of the stop codon, A replaced by G.
Molecular consequence: 3 prime UTR variant. On other transcripts: non-coding transcript variant (1).
Genome position (GRCh38, 1-based): chr7:156,681,482, T>C on the plus strand (A>G on the coding strand, the complement: LMBR1 is on the minus strand). VCF-style: chr7-156681482-T-C. GRCh37 (hg19) VCF-style: chr7-156474176-T-C.
Other names: c.*2596A>G (NM_001350953.2, NM_001350954.2, NM_001350955.2 and 8 more transcripts).
Identifiers: ClinVar variation 359380 (VCV000359380.6), dbSNP rs550168152, ClinGen allele CA10628523.
Genomic context (GRCh38, chr7:156,681,482, plus strand): 5'-TTTTACAGAGAATGTACATAAAGCTACGTAAATAGTAAATCTAAGAAGTATCTTGGAAAA[T>C]CAGTAAAAATTAATACAAATGTTATAATCTGAAAACTTATAATTGTAAAATAATTTATTT-3'

ClinVar aggregate classification (germline): Benign. Review status: criteria provided, multiple submitters, no conflicts (2 of 4 stars). 2 submissions from 2 submitters: Benign (2). Last evaluated 2018-01-12.

Conditions:
Polydactyly of a triphalangeal thumb. Also called: POLYDACTYLY OF TRIPHALANGEAL THUMB; TRIPHALANGEAL THUMB-POLYDACTYLY SYNDROME; Polydactyly, preaxial type II. Identifiers: Orphanet 2439, Orphanet 2950, Orphanet 93336, MedGen C1868114, MONDO:0008270, OMIM 174500.

Allele frequency attached by ClinVar (database versions not stated): gnomAD 0.00011 and 0.00023; TOPMed 0.00019; gnomAD exomes 0.00035; 1000 Genomes Project 30x 0.00062; 1000 Genomes Project 0.00080.
gnomAD v4.1: 35 of 155,366 alleles (0.023%); highest among the groups gnomAD compares: South Asian, 0.35%; no homozygotes.

Submissions (2):

Illumina Laboratory Services, Illumina
Classification: Benign for Polydactyly of a triphalangeal thumb. Last evaluated: 2018-01-12. Review status: criteria provided, single submitter. Criteria: ICSL Variant Classification Criteria 13 December 2019. Collection method: clinical testing. Allele origin: germline.
Comment: This variant was observed in the ICSL laboratory as part of a predisposition screen in an ostensibly healthy population. It had not been previously curated by ICSL or reported in the Human Gene Mutation Database (HGMD: prior to June 1st, 2018), and was therefore a candidate for classification through an automated scoring system. Utilizing variant allele frequency, disease prevalence and penetrance estimates, and inheritance mode, an automated score was calculated to assess if this variant is too frequent to cause the disease. Based on the score and internal cut-off values, a variant classified as benign is not then subjected to further curation. The score for this variant resulted in a classification of benign for this disease.

Breakthrough Genomics
Classification: Benign. Review status: criteria provided, single submitter. Criteria: ACMG Guidelines, 2015. Collection method: not provided. Allele origin: germline. Inheritance: Autosomal recessive inheritance. Affected: yes.